The following is an entry in ClinVar:

ClinVar aggregate classification (germline): Conflicting classifications of pathogenicity. Review status: criteria provided, conflicting classifications (1 of 4 stars). 3 submissions from 3 submitters: Uncertain significance (2); Likely benign (1). Last evaluated 2024-07-11.

Conditions:
Junctional epidermolysis bullosa with pyloric atresia. Also called: EPIDERMOLYSIS BULLOSA, JUNCTIONAL 5B, WITH PYLORIC ATRESIA; Epidermolysis bullosa, junctional, with pyloric atresia and aplasia cutis congenita; Epidermolysis bullosa junctionalis with pyloric atresia; APLASIA CUTIS CONGENITA WITH GASTROINTESTINAL ATRESIA; CARMI SYNDROME; EB-PA-ACC. Identifiers: Orphanet 79403, MedGen C5676875, MONDO:0009183, OMIM 226730.
Epidermolysis bullosa, junctional 5A, intermediate. Also called: EPIDERMOLYSIS BULLOSA, JUNCTIONAL 5A, GENERALIZED INTERMEDIATE; EPIDERMOLYSIS BULLOSA, JUNCTIONAL 5A, NON-HERLITZ TYPE. Identifiers: MedGen C5676956, MONDO:0030768, OMIM 619816.

Allele frequency attached by ClinVar (database versions not stated): gnomAD exomes 0.00001 and 0.00002; TOPMed 0.00001; gnomAD 0.00002.
gnomAD v4.1: 31 of 1,611,750 alleles (0.0019%); highest among the groups gnomAD compares: Non-Finnish European, 0.0025%; no homozygotes.

Submissions (3):

GeneDx
Classification: Uncertain significance. Last evaluated: 2024-07-11. Review status: criteria provided, single submitter. Criteria: GeneDx Variant Classification Process June 2021. Collection method: clinical testing. Allele origin: germline. Affected: yes.
Comment: In silico analysis indicates that this variant does not alter splicing; Has not been previously published as pathogenic or benign to our knowledge

Fulgent Genetics
Classification: Uncertain significance for Junctional epidermolysis bullosa with pyloric atresia; Epidermolysis bullosa, junctional 5A, intermediate. Last evaluated: 2024-01-08. Review status: criteria provided, single submitter. Criteria: ACMG Guidelines, 2015. Collection method: clinical testing. Allele origin: germline.

Labcorp Genetics (formerly Invitae), Labcorp
Classification: Likely benign. Last evaluated: 2023-11-15. Review status: criteria provided, single submitter. Criteria: Invitae Variant Classification Sherloc (09022015). Collection method: clinical testing. Allele origin: germline.

NM_000213.5(ITGB4):c.5301C>T (p.His1767=)

Genes: GALK1 (galactokinase 1; minus strand), ITGB4 (integrin subunit beta 4; plus strand). Cytogenetic location: 17q25.1.
Variant type: single nucleotide variant.
Coding change: c.5301C>T on transcript NM_000213.5 (MANE Select); coding-DNA position 5301, C replaced by T.
Protein change: p.His1767=; no amino-acid change (histidine 1767 retained).
Molecular consequence: synonymous variant. On other transcripts: intron variant (1).
Genome position (GRCh38, 1-based): chr17:75,757,282, C>T. VCF-style: chr17-75757282-C-T. GRCh37 (hg19) VCF-style: chr17-73753363-C-T.
Other names: c.5250C>T, p.His1750= (NM_001005619.2); c.5091C>T, p.His1697= (NM_001005731.3, NM_001321123.2); c.4941C>T, p.His1647= (NM_001438834.1); c.*22+752G>A (NM_001381985.1).
Identifiers: ClinVar variation 1329519 (VCV001329519.9), dbSNP rs963564866, ClinGen allele CA294085103.
Genomic context (GRCh38, chr17:75,757,282, plus strand): 5'-CCGTGCCGGGCTCTTCCAGCACCCGCTGCAAAGCGAGTACAGCAGCATCACCACCACCCA[C>T]ACCAGCGCCACCGAGCCCTTCCTAGTGGGTGAGCACTGAGGGCTAGGGGATCCCGGCTCT-3'
Protein context (NP_000204.3, residues 1757-1777): QSEYSSITTT[His1767=]TSATEPFLVD